The following is an entry in ClinVar:

ClinVar aggregate classification (germline): Uncertain significance. Review status: criteria provided, multiple submitters, no conflicts (2 of 4 stars). 2 submissions from 2 submitters: Uncertain significance (2). Last evaluated 2022-04-13.

Conditions:
Inborn genetic diseases. Identifiers: MedGen C0950123, MeSH D030342.

Allele frequency attached by ClinVar (database versions not stated): gnomAD exomes 0.00001.
gnomAD v4.1: 12 of 1,596,262 alleles (0.00075%); highest among the groups gnomAD compares: Non-Finnish European, 0.001%; no homozygotes.

Submissions (2):

Ambry Genetics
Classification: Uncertain significance for Inborn genetic diseases. Last evaluated: 2022-04-13. Review status: criteria provided, single submitter. Criteria: Ambry Variant Classification Scheme 2023. Collection method: clinical testing. Allele origin: germline.

Labcorp Genetics (formerly Invitae), Labcorp
Classification: Uncertain significance. Last evaluated: 2021-09-22. Review status: criteria provided, single submitter. Criteria: Invitae Variant Classification Sherloc (09022015). Collection method: clinical testing. Allele origin: germline.
Comment: This sequence change replaces valine with leucine at codon 4089 of the FAT4 protein (p.Val4089Leu). The valine residue is highly conserved and there is a small physicochemical difference between valine and leucine. This variant is not present in population databases (ExAC no frequency). This variant has not been reported in the literature in individuals affected with FAT4-related conditions. Advanced modeling of protein sequence and biophysical properties (such as structural, functional, and spatial information, amino acid conservation, physicochemical variation, residue mobility, and thermodynamic stability) performed at Invitae indicates that this missense variant is not expected to disrupt FAT4 protein function. In summary, the available evidence is currently insufficient to determine the role of this variant in disease. Therefore, it has been classified as a Variant of Uncertain Significance.

NM_001291303.3(FAT4):c.12271G>C (p.Val4091Leu)

Gene: FAT4 (FAT atypical cadherin 4; plus strand). Cytogenetic location: 4q28.1.
Variant type: single nucleotide variant.
Coding change: c.12271G>C on transcript NM_001291303.3 (MANE Select); coding-DNA position 12271, G replaced by C.
Protein change: p.Val4091Leu; replaces valine 4091 with leucine.
Molecular consequence: missense variant.
Genome position (GRCh38, 1-based): chr4:125,476,228, G>C. VCF-style: chr4-125476228-G-C. GRCh37 (hg19) VCF-style: chr4-126397383-G-C.
Other names: c.12265G>C (NM_024582.4); c.12271G>C, p.Val4091Leu (NM_001291285.3); c.12265G>C, p.Val4089Leu (NM_024582.6); short protein forms V4089L, V4091L.
Identifiers: ClinVar variation 1404548 (VCV001404548.7), dbSNP rs2126082991, ClinGen allele CA358130789.